The following is an entry in ClinVar:

NM_001289104.2(PRKCSH):c.125G>A (p.Gly42Asp)

Gene: PRKCSH (PRKCSH beta subunit of glucosidase II; plus strand). Cytogenetic location: 19p13.2.
Variant type: single nucleotide variant.
Coding change: c.125G>A on transcript NM_001289104.2 (MANE Select); coding-DNA position 125, G replaced by A.
Protein change: p.Gly42Asp; replaces glycine 42 with aspartic acid.
Molecular consequence: missense variant.
Genome position (GRCh38, 1-based): chr19:11,436,434, G>A. VCF-style: chr19-11436434-G-A. GRCh37 (hg19) VCF-style: chr19-11547255-G-A.
Other names: c.125G>A, p.Gly42Asp (NM_001001329.3, NM_001289102.2, NM_001289103.2 and 3 more transcripts); short protein forms G42D.
Identifiers: ClinVar variation 4628411 (VCV004628411.2).

ClinVar aggregate classification (germline): Uncertain significance. Review status: criteria provided, multiple submitters, no conflicts (2 of 4 stars). 2 submissions from 2 submitters: Uncertain significance (2). Last evaluated 2025-12-15.

Conditions:
Inborn genetic diseases. Identifiers: MedGen C0950123, MeSH D030342.

gnomAD v4.1: 6 of 1,614,206 alleles (0.00037%); highest among the groups gnomAD compares: Non-Finnish European, 0.00051%; no homozygotes.

Submissions (2):

Labcorp Genetics (formerly Invitae), Labcorp
Classification: Uncertain significance. Last evaluated: 2025-12-15. Review status: criteria provided, single submitter. Criteria: Invitae Variant Classification Sherloc (09022015). Collection method: clinical testing. Allele origin: germline.
Comment: This sequence change replaces glycine, which is neutral and non-polar, with aspartic acid, which is acidic and polar, at codon 42 of the PRKCSH protein (p.Gly42Asp). This variant is not present in population databases (gnomAD no frequency). This variant has not been reported in the literature in individuals affected with PRKCSH-related conditions. An algorithm developed to predict the effect of missense changes on protein structure and function (PolyPhen-2) suggests that this variant is likely to be disruptive. In summary, the available evidence is currently insufficient to determine the role of this variant in disease. Therefore, it has been classified as a Variant of Uncertain Significance.

Ambry Genetics
Classification: Uncertain significance for Inborn genetic diseases. Last evaluated: 2025-11-12. Review status: criteria provided, single submitter. Criteria: Ambry Variant Classification Scheme 2023. Collection method: clinical testing. Allele origin: germline.